The following is an entry in ClinVar:

NM_003118.4(SPARC):c.663GAA[1] (p.Lys222del)

Gene: SPARC (secreted protein acidic and cysteine rich; minus strand). Cytogenetic location: 5q33.1.
Variant type: Microsatellite.
Coding change: c.663GAA[1] on transcript NM_003118.4 (MANE Select); one copy of the 3-base unit GAA starting at c.663; the reference has two copies in a row; one copy, 3 bases deleted.
Protein change: p.Lys222del; deletes lysine 222.
Molecular consequence: inframe deletion.
Genome position (GRCh38, 1-based): chr5:151,666,427-151,666,429, TTC deleted on the plus strand (GAA on the coding strand, the reverse complement: SPARC is on the minus strand); deleting any 3 consecutive bases within chr5:151,666,427-151,666,433 gives the same sequence; the position shown is the placement nearest the transcript's 3' end. VCF-style (leftmost placement, unchanged base first): chr5-151666426-GTTC-G. GRCh37 (hg19) VCF-style: chr5-151045987-GTTC-G.
Other names: c.660GAA[1], p.Lys221del (NM_001309443.2); c.663GAA[1], p.Lys222del (NM_001309444.2); short protein forms K222del, K221del.
Identifiers: ClinVar variation 2130131 (VCV002130131.4), dbSNP rs2480200366, ClinGen allele CA2580614785.

ClinVar aggregate classification (germline): Uncertain significance (1 of 4 stars; one submission).

Submission:

Labcorp Genetics (formerly Invitae), Labcorp
Classification: Uncertain significance. Last evaluated: 2022-04-25. Review status: criteria provided, single submitter. Criteria: Invitae Variant Classification Sherloc (09022015). Collection method: clinical testing. Allele origin: germline.
Comment: In summary, the available evidence is currently insufficient to determine the role of this variant in disease. Therefore, it has been classified as a Variant of Uncertain Significance. Experimental studies and prediction algorithms are not available or were not evaluated, and the functional significance of this variant is currently unknown. This variant has not been reported in the literature in individuals affected with SPARC-related conditions. This variant is not present in population databases (gnomAD no frequency). This variant, c.666_668del, results in the deletion of 1 amino acid(s) of the SPARC protein (p.Lys222del), but otherwise preserves the integrity of the reading frame.